The following is an entry in ClinVar:

NM_000465.4(BARD1):c.746del (p.Ile249fs)

Gene: BARD1 (BRCA1 associated RING domain 1; minus strand). Cytogenetic location: 2q35.
Variant type: Deletion.
Coding change: c.746del on transcript NM_000465.4 (MANE Select); coding-DNA position 746, one base deleted (T; older notation c.746delT).
Protein change: p.Ile249fs; shifts the reading frame from isoleucine 249.
Molecular consequence: frameshift variant. On other transcripts: non-coding transcript variant (2), intron variant (3).
Genome position (GRCh38, 1-based): chr2:214,781,128, A deleted on the plus strand (T on the coding strand, the reverse complement: BARD1 is on the minus strand). VCF-style (leftmost placement, unchanged base first): chr2-214781127-GA-G. GRCh37 (hg19) VCF-style: chr2-215645851-GA-G.
Other names: c.689del, p.Ile230fs (NM_001282543.2); c.158+28284del (NM_001282548.2); c.215+15933del (NM_001282545.2); c.364+11169del (NM_001282549.2); short protein forms I230fs, I249fs.
Identifiers: ClinVar variation 827071 (VCV000827071.4), dbSNP rs1574819607, ClinGen allele CA915941691.

ClinVar aggregate classification (germline): Pathogenic (1 of 4 stars; one submission).

Conditions:
Hereditary cancer-predisposing syndrome. Also called: Neoplastic Syndromes, Hereditary; Tumor predisposition; Hereditary neoplastic syndrome; Hereditary Cancer Syndrome. Identifiers: Orphanet 140162, MedGen C0027672, MeSH D009386, MONDO:0015356.

Submission:

Ambry Genetics
Classification: Pathogenic for Hereditary cancer-predisposing syndrome. Last evaluated: 2018-08-16. Review status: criteria provided, single submitter. Criteria: Ambry Variant Classification Scheme 2023. Collection method: clinical testing. Allele origin: germline.
Comment: The c.746delT pathogenic mutation, located in coding exon 4 of the BARD1 gene, results from a deletion of one nucleotide at nucleotide position 746, causing a translational frameshift with a predicted alternate stop codon (p.I249Tfs*6). This alteration is expected to result in loss of function by premature protein truncation or nonsense-mediated mRNA decay. As such, this alteration is interpreted as a disease-causing mutation.